The following is an entry in ClinVar:

NM_000219.6(KCNE1):c.286C>G (p.Gln96Glu)

Gene: KCNE1 (potassium voltage-gated channel subfamily E regulatory subunit 1; minus strand). Cytogenetic location: 21q22.12.
Variant type: single nucleotide variant.
Coding change: c.286C>G on transcript NM_000219.6 (MANE Select); coding-DNA position 286, C replaced by G.
Protein change: p.Gln96Glu; replaces glutamine 96 with glutamic acid.
Molecular consequence: missense variant.
Genome position (GRCh38, 1-based): chr21:34,449,349, G>C on the plus strand (C>G on the coding strand, the complement: KCNE1 is on the minus strand). VCF-style: chr21-34449349-G-C. GRCh37 (hg19) VCF-style: chr21-35821647-G-C.
Other names: c.286C>G, p.Gln96Glu (NM_001127668.4, NM_001127669.4, NM_001127670.4 and 4 more transcripts); short protein forms Q96E.
Identifiers: ClinVar variation 3374537 (VCV003374537.2).
Genomic context (GRCh38, chr21:34,449,349, plus strand): 5'-CTATGGCCAGATGGTTTTCAACGACATAGCACGACCTGTAGCTCTCCAGGACCCGGGCCT[G>C]GACATAGGCCTTGTCCTTCTCTTGCCAGGCATCGGACTCGATGTAGACGTTGAATGGGTC-3'
Protein context (NP_000210.2, residues 86-106): AWQEKDKAYV[Gln96Glu]ARVLESYRSC

Conditions:
Long QT syndrome 5 (LQT5). Identifiers: Orphanet 101016, Orphanet 768, MedGen C1867904, MONDO:0013372, OMIM 613695.

Submission:

Roden Lab, Vanderbilt University Medical Center
No classification provided (evidence only). Condition: Long QT syndrome 5. Review status: no classification provided. Collection method: in vitro. Allele origin: not applicable. Functional consequence: Effect on ion channel function.
ClinVar note: "not provided" was previously submitted as the classification for the variant. However, the classification appeared to be based only on an observation of functional data so it was converted to no classification on 2025-07-30.